The following is an entry in ClinVar:

ClinVar aggregate classification (germline): Uncertain significance (1 of 4 stars; one submission).

Conditions:
Leukocyte adhesion deficiency 1 (LAD1). Also called: LAD 1; Lymphocyte function-associated antigen 1 immunodeficiency; LFA 1 immunodeficiency; LEUKOCYTE ADHESION DEFICIENCY, TYPE I. Identifiers: Orphanet 2968, Orphanet 99842, MedGen C0398738, MONDO:0007293, OMIM 116920.

Submission:

Labcorp Genetics (formerly Invitae), Labcorp
Classification: Uncertain significance for Leukocyte adhesion deficiency 1. Last evaluated: 2021-12-25. Review status: criteria provided, single submitter. Criteria: Invitae Variant Classification Sherloc (09022015). Collection method: clinical testing. Allele origin: germline.
Comment: In summary, the available evidence is currently insufficient to determine the role of this variant in disease. Therefore, it has been classified as a Variant of Uncertain Significance. Algorithms developed to predict the effect of missense changes on protein structure and function (SIFT, PolyPhen-2, Align-GVGD) all suggest that this variant is likely to be disruptive. This variant has not been reported in the literature in individuals affected with ITGB2-related conditions. This variant is not present in population databases (gnomAD no frequency). This sequence change replaces cysteine, which is neutral and slightly polar, with phenylalanine, which is neutral and non-polar, at codon 46 of the ITGB2 protein (p.Cys46Phe).

NM_000211.5(ITGB2):c.137G>T (p.Cys46Phe)

Gene: ITGB2 (integrin subunit beta 2; minus strand). Cytogenetic location: 21q22.3.
Variant type: single nucleotide variant.
Coding change: c.137G>T on transcript NM_000211.5 (MANE Select); coding-DNA position 137, G replaced by T.
Protein change: p.Cys46Phe; replaces cysteine 46 with phenylalanine.
Molecular consequence: missense variant. On other transcripts: 5 prime UTR variant (1).
Genome position (GRCh38, 1-based): chr21:44,910,294, C>A on the plus strand (G>T on the coding strand, the complement: ITGB2 is on the minus strand). VCF-style: chr21-44910294-C-A. GRCh37 (hg19) VCF-style: chr21-46330209-C-A.
Other names: c.137G>T, p.Cys46Phe (NM_001127491.3); c.-71G>T (NM_001303238.2); short protein forms C46F.
Identifiers: ClinVar variation 2059781 (VCV002059781.4), dbSNP rs2517165094, ClinGen allele CA410480638.